The following is an entry in ClinVar:

ClinVar aggregate classification (germline): Uncertain significance (1 of 4 stars; one submission).

Submission:

GeneDx
Classification: Uncertain significance. Last evaluated: 2022-06-09. Review status: criteria provided, single submitter. Criteria: GeneDx Variant Classification Process June 2021. Collection method: clinical testing. Allele origin: germline. Affected: yes.
Comment: Not observed at significant frequency in large population cohorts (gnomAD); In silico analysis supports that this missense variant has a deleterious effect on protein structure/function; Has not been previously published as pathogenic or benign to our knowledge

NM_001348716.2(KDM6B):c.4206C>G (p.Asn1402Lys)

Genes: KDM6B (lysine demethylase 6B; plus strand), LOC121587574 (Sharpr-MPRA regulatory region 3930; plus strand). Cytogenetic location: 17p13.1.
Variant type: single nucleotide variant.
Coding change: c.4206C>G on transcript NM_001348716.2 (MANE Select); coding-DNA position 4206, C replaced by G.
Protein change: p.Asn1402Lys; replaces asparagine 1402 with lysine.
Molecular consequence: missense variant.
Genome position (GRCh38, 1-based): chr17:7,851,991, C>G. VCF-style: chr17-7851991-C-G. GRCh37 (hg19) VCF-style: chr17-7755309-C-G.
Other names: c.4206C>G, p.Asn1402Lys (NM_001080424.2); short protein forms N1402K.
Identifiers: ClinVar variation 1803341 (VCV001803341.1), dbSNP rs1354541857, ClinGen allele CA397927225.
Genomic context (GRCh38, chr17:7,851,991, plus strand): 5'-TTCTCTGTCGACCCCTGCAGGCCACCAGGAGAATAACAACTTCTGCTCCGTCAACATCAA[C>G]ATTGGCCCAGGCGACTGCGAGTGGTTCGCGGTGCACGAGCACTACTGGGAGACCATCAGC-3'
Protein context (NP_001335645.1, residues 1392-1412): ENNNFCSVNI[Asn1402Lys]IGPGDCEWFA